The following is an entry in ClinVar:

ClinVar aggregate classification (germline): Likely benign (1 of 4 stars; one submission).

Submission:

GeneDx
Classification: Likely benign. Last evaluated: 2016-05-03. Review status: criteria provided, single submitter. Criteria: GeneDx Variant Classification (06012015). Collection method: clinical testing. Allele origin: germline. Affected: yes.
Comment: This variant is considered likely benign or benign based on one or more of the following criteria: it is a conservative change, it occurs at a poorly conserved position in the protein, it is predicted to be benign by multiple in silico algorithms, and/or has population frequency not consistent with disease.

NM_001353921.2(ARHGEF9):c.561A>T (p.Ile187=)

Gene: ARHGEF9 (Cdc42 guanine nucleotide exchange factor 9; minus strand). Cytogenetic location: Xq11.1.
Variant type: single nucleotide variant.
Coding change: c.561A>T on transcript NM_001353921.2 (MANE Select); coding-DNA position 561, A replaced by T.
Protein change: p.Ile187=; no amino-acid change (isoleucine 187 retained).
Molecular consequence: synonymous variant.
Genome position (GRCh38, 1-based): chrX:63,697,146, T>A on the plus strand (A>T on the coding strand, the complement: ARHGEF9 is on the minus strand). VCF-style: chrX-63697146-T-A. GRCh37 (hg19) VCF-style: chrX-62917026-T-A.
Other names: c.381A>T, p.Ile127= (NM_001173479.2); c.234A>T, p.Ile78= (NM_001173480.2, NM_001369042.1); c.477A>T, p.Ile159= (NM_001330495.2, NM_001353927.2, NM_001369033.1 and 8 more transcripts); c.561A>T, p.Ile187= (NM_001353922.2); c.579A>T, p.Ile193= (NM_001353923.1); c.360A>T, p.Ile120= (NM_001353924.2, NM_001353926.2, NM_001369039.1 and 1 more transcripts); c.540A>T, p.Ile180= (NM_001353928.2, NM_001369030.1, NM_001369031.1 and 2 more transcripts); c.126A>T, p.Ile42= (NM_001369045.1).
Identifiers: ClinVar variation 385693 (VCV000385693.1), dbSNP rs1057522301, ClinGen allele CA16608900.